The following is an entry in ClinVar:

NM_000169.3(GLA):c.1097C>A (p.Thr366Asn)

Genes: GLA (galactosidase alpha; minus strand), RPL36A-HNRNPH2 (RPL36A-HNRNPH2 readthrough; plus strand). Cytogenetic location: Xq22.1.
Variant type: single nucleotide variant.
Coding change: c.1097C>A on transcript NM_000169.3 (MANE Select); coding-DNA position 1097, C replaced by A.
Protein change: p.Thr366Asn; replaces threonine 366 with asparagine.
Molecular consequence: missense variant. On other transcripts: non-coding transcript variant (3), intron variant (2).
Genome position (GRCh38, 1-based): chrX:101,398,002, G>T on the plus strand (C>A on the coding strand, the complement: GLA is on the minus strand). VCF-style: chrX-101398002-G-T. GRCh37 (hg19) VCF-style: chrX-100652990-G-T.
Other names: c.1220C>A, p.Thr407Asn (NM_001406747.1); c.300+2545G>T (NM_001199973.2); c.177+6180G>T (NM_001199974.2); short protein forms T407N, T366N.
Identifiers: ClinVar variation 3719889 (VCV003719889.2).
Genomic context (GRCh38, chrX:101,398,002, plus strand): 5'-TGTGTGATGAAGCAGGCAGGATTACAGGCCACTCCTTTACCCAGGGAAGCAACTGCGATG[G>T]TATAAGAGCGAGGTCCACCAATCTCCTGCCGGTTTATCATAGCTACAGCCCAGGCTAAGC-3'
Protein context (NP_000160.1, residues 356-376): RQEIGGPRSY[Thr366Asn]IAVASLGKGV

ClinVar aggregate classification (germline): Uncertain significance (1 of 4 stars; one submission).

Conditions:
Fabry disease. Also called: Fabry's disease; ALPHA-GALACTOSIDASE A DEFICIENCY; ANDERSON-FABRY DISEASE; CERAMIDE TRIHEXOSIDASE DEFICIENCY; GLA DEFICIENCY; HEREDITARY DYSTOPIC LIPIDOSIS. Identifiers: Orphanet 324, MedGen C0002986, MONDO:0010526, OMIM 301500, HP:0001071. Disease mechanism: Fabry disease is due to inactivating mutations in the X-linked GLA gene resulting in deficiency of the enzyme Alpha Galactosidase-A., loss of function.

gnomAD v4.1: 3 of 1,208,179 alleles (0.00025%); highest among the groups gnomAD compares: Admixed American, 0.0044%; no homozygotes.

Submission:

Labcorp Genetics (formerly Invitae), Labcorp
Classification: Uncertain significance for Fabry disease. Last evaluated: 2025-08-03. Review status: criteria provided, single submitter. Criteria: Invitae Variant Classification Sherloc (09022015). Collection method: clinical testing. Allele origin: germline.
Comment: This sequence change replaces threonine, which is neutral and polar, with asparagine, which is neutral and polar, at codon 366 of the GLA protein (p.Thr366Asn). This variant is not present in population databases (gnomAD no frequency). This variant has not been reported in the literature in individuals affected with GLA-related conditions. ClinVar contains an entry for this variant (Variation ID: 3719889). Invitae Evidence Modeling of protein sequence and biophysical properties (such as structural, functional, and spatial information, amino acid conservation, physicochemical variation, residue mobility, and thermodynamic stability) indicates that this missense variant is not expected to disrupt GLA protein function with a negative predictive value of 80%. In summary, the available evidence is currently insufficient to determine the role of this variant in disease. Therefore, it has been classified as a Variant of Uncertain Significance.